The following is an entry in ClinVar:

NM_017739.4(POMGNT1):c.908C>T (p.Pro303Leu)

Genes: POMGNT1 (protein O-linked mannose N-acetylglucosaminyltransferase 1 (beta 1,2-); minus strand), TSPAN1 (tetraspanin 1; plus strand). Cytogenetic location: 1p34.1.
Variant type: single nucleotide variant.
Coding change: c.908C>T on transcript NM_017739.4 (MANE Select); coding-DNA position 908, C replaced by T.
Protein change: p.Pro303Leu; replaces proline 303 with leucine.
Molecular consequence: missense variant.
Genome position (GRCh38, 1-based): chr1:46,193,897, G>A on the plus strand (C>T on the coding strand, the complement: POMGNT1 is on the minus strand). VCF-style: chr1-46193897-G-A. GRCh37 (hg19) VCF-style: chr1-46659569-G-A.
Other names: c.908C>T, p.Pro303Leu (NM_001243766.2, NM_001410783.1); c.842C>T, p.Pro281Leu (NM_001290129.3); c.479C>T, p.Pro160Leu (NM_001290130.2); short protein forms P303L, P160L, P281L.
Identifiers: ClinVar variation 565327 (VCV000565327.10), dbSNP rs753453050, ClinGen allele CA833572.
Genomic context (GRCh38, chr1:46,193,897, plus strand): 5'-GCCCATTCCCAGGCTTACCTGTACAGGTAATTGGGTCGGTTCCCTGCAATGACAGCCACA[G>A]GCACATTGAGGACCTTGTTGTCTGGGAGCTGTGGGAGAAATAGCGTTTAGCTCTTGCCTT-3'
Protein context (NP_060209.4, residues 293-313): PLPDNKVLNV[Pro303Leu]VAVIAGNRPN

ClinVar aggregate classification (germline): Uncertain significance. Review status: criteria provided, multiple submitters, no conflicts (2 of 4 stars). 2 submissions from 2 submitters: Uncertain significance (2). Last evaluated 2024-08-30.

Conditions:
Muscular dystrophy-dystroglycanopathy (congenital with brain and eye anomalies), type A3. Also called: Congenital muscular dystrophy-dystroglycanopathy with brain and eye anomalies, type A3; Muscular dystrophy-dystroglycanopathy (congenital with brain and eye anomalies), type A, 3; WALKER-WARBURG SYNDROME OR MUSCLE-EYE-BRAIN DISEASE, POMGNT1-RELATED. Identifiers: MedGen C3151519, MONDO:0009667, OMIM 253280.
Muscular dystrophy-dystroglycanopathy (congenital with impaired intellectual development), type B, 3. Also called: Muscular dystrophy-dystroglycanopathy (congenital with intellectual disability), type B3; MUSCULAR DYSTROPHY, CONGENITAL, POMGNT1-RELATED. Identifiers: MedGen C3150412, MONDO:0013155, OMIM 613151.
Autosomal recessive limb-girdle muscular dystrophy type 2O. Also called: Limb-Girdle Muscular Dystrophy Type 3C; MUSCULAR DYSTROPHY-DYSTROGLYCANOPATHY (LIMB-GIRDLE), TYPE C, 3; MUSCULAR DYSTROPHY-DYSTROGLYCANOPATHY, LIMB-GIRDLE, POMGNT1-RELATED. Identifiers: Orphanet 206564, MedGen C3150417, MONDO:0013161, OMIM 613157.

Allele frequency attached by ClinVar (database versions not stated): ExAC 0.00001; gnomAD exomes 0.00001.
gnomAD v4.1: 9 of 1,614,182 alleles (0.00056%); highest among the groups gnomAD compares: South Asian, 0.0099%; no homozygotes.

Submissions (2):

Labcorp Genetics (formerly Invitae), Labcorp
Classification: Uncertain significance for Autosomal recessive limb-girdle muscular dystrophy type 2O; Muscular dystrophy-dystroglycanopathy (congenital with impaired intellectual development), type B, 3. Last evaluated: 2024-08-30. Review status: criteria provided, single submitter. Criteria: Invitae Variant Classification Sherloc (09022015). Collection method: clinical testing. Allele origin: germline.
Comment: This sequence change replaces proline, which is neutral and non-polar, with leucine, which is neutral and non-polar, at codon 303 of the POMGNT1 protein (p.Pro303Leu). This variant is present in population databases (rs753453050, gnomAD 0.006%). This variant has not been reported in the literature in individuals affected with POMGNT1-related conditions. ClinVar contains an entry for this variant (Variation ID: 565327). Invitae Evidence Modeling of protein sequence and biophysical properties (such as structural, functional, and spatial information, amino acid conservation, physicochemical variation, residue mobility, and thermodynamic stability) indicates that this missense variant is expected to disrupt POMGNT1 protein function with a positive predictive value of 95%. In summary, the available evidence is currently insufficient to determine the role of this variant in disease. Therefore, it has been classified as a Variant of Uncertain Significance.

Neuberg Centre For Genomic Medicine, NCGM
Classification: Uncertain significance for Muscular dystrophy-dystroglycanopathy (congenital with brain and eye anomalies), type A3. Last evaluated: 2023-03-01. Review status: criteria provided, single submitter. Criteria: ACMG Guidelines, 2015. Collection method: clinical testing. Allele origin: germline. Inheritance: Autosomal recessive inheritance. Affected: yes.
Comment: The missense c.908C>T (p.Pro303Leu) variant in POMGNT1 gene has not been reported previously as a pathogenic variant nor as a benign variant, to our knowledge. The p.Pro303Leu variant has allele frequency 0.0008% in gnomAD Exomes and is novel (not in any individuals) in 1000 Genomes. This variant has been reported to the ClinVar database as Uncertain Significance. The amino acid change p.Pro303Leu in POMGNT1 is predicted as conserved by GERP++ and PhyloP across 100 vertebrates. The amino acid Pro at position 303 is changed to a Leu changing protein sequence and it might alter its composition and physico-chemical properties. For these reasons, this variant has been classified as Variant of Uncertain Significance (VUS)